The following is an entry in ClinVar:

NM_002691.4(POLD1):c.3056T>G (p.Leu1019Arg)

Gene: POLD1 (DNA polymerase delta 1, catalytic subunit; plus strand). Cytogenetic location: 19q13.33.
Variant type: single nucleotide variant.
Coding change: c.3056T>G on transcript NM_002691.4 (MANE Select); coding-DNA position 3056, T replaced by G.
Protein change: p.Leu1019Arg; replaces leucine 1019 with arginine.
Molecular consequence: missense variant. On other transcripts: non-coding transcript variant (1).
Genome position (GRCh38, 1-based): chr19:50,416,712, T>G. VCF-style: chr19-50416712-T-G. GRCh37 (hg19) VCF-style: chr19-50919969-T-G.
Other names: c.3056T>G, p.Leu1019Arg (NM_001256849.1); c.3134T>G, p.Leu1045Arg (NM_001308632.1); short protein forms L1045R, L1019R.
Identifiers: ClinVar variation 647914 (VCV000647914.1), dbSNP rs1601247783, ClinGen allele CA406987010.

ClinVar aggregate classification (germline): Uncertain significance (1 of 4 stars; one submission).

Conditions:
POLD1-related polyposis and colorectal cancer syndrome (CRCS10). Also called: Colorectal cancer, susceptibility to, 10; Colorectal cancer 10; COLORECTAL CANCER, SUSCEPTIBILITY TO, ON CHROMOSOME 19q. Identifiers: Orphanet 220460, MedGen C2675481, MONDO:0012953, OMIM 612591.

Submission:

Labcorp Genetics (formerly Invitae), Labcorp
Classification: Uncertain significance for Colorectal cancer 10. Last evaluated: 2018-08-16. Review status: criteria provided, single submitter. Criteria: Invitae Variant Classification Sherloc (09022015). Collection method: clinical testing. Allele origin: germline.
Comment: This sequence change replaces leucine with arginine at codon 1019 of the POLD1 protein (p.Leu1019Arg). The leucine residue is moderately conserved and there is a moderate physicochemical difference between leucine and arginine. While this variant is not present in population databases, the frequency information is unreliable, as metrics indicate poor data quality at this position in the ExAC database. This variant has not been reported in the literature in individuals with POLD1-related disease. Algorithms developed to predict the effect of missense changes on protein structure and function are either unavailable or do not agree on the potential impact of this missense change (SIFT: "Deleterious"; PolyPhen-2: "Probably Damaging"; Align-GVGD: "Class C0"). In summary, the available evidence is currently insufficient to determine the role of this variant in disease. Therefore, it has been classified as a Variant of Uncertain Significance.